The following is an entry in ClinVar:

ClinVar aggregate classification (germline): Likely benign (1 of 4 stars; one submission).

Conditions:
MME-related disorder. Also called: MME-related condition.

Submission:

PreventionGenetics, part of Exact Sciences
Classification: Likely benign for MME-related condition. Last evaluated: 2025-02-09. Review status: criteria provided, single submitter. Criteria: ACMG Guidelines, 2015. Collection method: clinical testing. Allele origin: germline.
Comment: This variant is classified as likely benign based on ACMG/AMP sequence variant interpretation guidelines (Richards et al. 2015 PMID: 25741868, with internal and published modifications).

NM_007289.4(MME):c.1095-6A>C

Gene: MME (membrane metalloendopeptidase; plus strand). Cytogenetic location: 3q25.2.
Variant type: single nucleotide variant.
Coding change: c.1095-6A>C on transcript NM_007289.4 (MANE Select); 6 bases into the intron before coding-DNA position 1095, A replaced by C.
Molecular consequence: intron variant.
Genome position (GRCh38, 1-based): chr3:155,142,231, A>C. VCF-style: chr3-155142231-A-C. GRCh37 (hg19) VCF-style: chr3-154860020-A-C.
Other names: c.1095-6A>C (NM_001354642.2, NM_000902.5, NM_007287.4 and 2 more transcripts).
Identifiers: ClinVar variation 4982529 (VCV004982529.1).
Genomic context (GRCh38, chr3:155,142,231, plus strand): 5'-TATCACTCTTCAGAAGCTTTGCAGCCTCATCTTTTCTGTTGCTGGGCGGTGGTTTTTTTT[A>C]TACAGAGATCTTCAAAATTTAATGTCCTGGAGATTCATAATGGATCTTGTAAGCAGCCTC-3'